The following is an entry in ClinVar:

NM_177438.3(DICER1):c.3172C>A (p.Leu1058Ile)

Gene: DICER1 (dicer 1, ribonuclease III; minus strand). Cytogenetic location: 14q32.13.
Variant type: single nucleotide variant.
Coding change: c.3172C>A on transcript NM_177438.3 (MANE Select); coding-DNA position 3172, C replaced by A.
Protein change: p.Leu1058Ile; replaces leucine 1058 with isoleucine.
Molecular consequence: missense variant.
Genome position (GRCh38, 1-based): chr14:95,105,168, G>T on the plus strand (C>A on the coding strand, the complement: DICER1 is on the minus strand). VCF-style: chr14-95105168-G-T. GRCh37 (hg19) VCF-style: chr14-95571505-G-T.
Other names: c.3172C>A, p.Leu1058Ile (NM_001195573.1, NM_001271282.3, NM_001291628.2 and 1 more transcripts); short protein forms L1058I.
Identifiers: ClinVar variation 477126 (VCV000477126.10), dbSNP rs1555370024, ClinGen allele CA390876660.

ClinVar aggregate classification (germline): Uncertain significance (1 of 4 stars; one submission).

Conditions:
DICER1-related tumor predisposition. Also called: DICER1-related pleuropulmonary blastoma cancer predisposition syndrome; DICER1 syndrome. Identifiers: Orphanet 284343, MedGen C3839822, MONDO:0100216.

Submission:

Labcorp Genetics (formerly Invitae), Labcorp
Classification: Uncertain significance for DICER1-related tumor predisposition. Last evaluated: 2017-02-28. Review status: criteria provided, single submitter. Criteria: Invitae Variant Classification Sherloc (09022015). Collection method: clinical testing. Allele origin: germline.
Comment: This variant is not present in population databases (ExAC no frequency) and has not been reported in the literature in individuals with a DICER1-related disease. This sequence change replaces leucine with isoleucine at codon 1058 of the DICER1 protein (p.Leu1058Ile). The leucine residue is highly conserved and there is a small physicochemical difference between leucine and isoleucine. Algorithms developed to predict the effect of missense changes on protein structure and function do not agree on the potential impact of this missense change (SIFT: "Tolerated"; PolyPhen-2: "Probably Damaging"; Align-GVGD: "Class C0"). In summary, this variant is a novel missense change with uncertain impact on protein function. It has been classified as a Variant of Uncertain Significance.